The following is an entry in ClinVar:

NM_139343.3(BIN1):c.229G>T (p.Glu77Ter)

Gene: BIN1 (bridging integrator 1; minus strand). Cytogenetic location: 2q14.3.
Variant type: single nucleotide variant.
Coding change: c.229G>T on transcript NM_139343.3 (MANE Select); coding-DNA position 229, G replaced by T.
Protein change: p.Glu77Ter; replaces glutamic acid 77 with a stop codon.
Molecular consequence: nonsense.
Genome position (GRCh38, 1-based): chr2:127,070,639, C>A on the plus strand (G>T on the coding strand, the complement: BIN1 is on the minus strand). VCF-style: chr2-127070639-C-A. GRCh37 (hg19) VCF-style: chr2-127828215-C-A.
Other names: c.229G>T, p.Glu77Ter (NM_001320632.2, NM_001320633.2, NM_001320640.2 and 10 more transcripts); c.157G>T, p.Glu53Ter (NM_001320634.1); c.148G>T, p.Glu50Ter (NM_001320642.1); short protein forms E50*, E53*, E77*.
Identifiers: ClinVar variation 2828499 (VCV002828499.3), dbSNP rs1685759135, ClinGen allele CA348369602.

ClinVar aggregate classification (germline): Uncertain significance (1 of 4 stars; one submission).

Conditions:
Myopathy, centronuclear, 2 (CNM2). Also called: MYOTUBULAR MYOPATHY, AUTOSOMAL RECESSIVE. Identifiers: Orphanet 169186, MedGen CN031787, MONDO:0009709, OMIM 255200.

Submission:

Labcorp Genetics (formerly Invitae), Labcorp
Classification: Uncertain significance for Myopathy, centronuclear, 2. Last evaluated: 2023-01-14. Review status: criteria provided, single submitter. Criteria: Invitae Variant Classification Sherloc (09022015). Collection method: clinical testing. Allele origin: germline.
Comment: This sequence change creates a premature translational stop signal (p.Glu77*) in the BIN1 gene. It is expected to result in an absent or disrupted protein product. However, the current clinical and genetic evidence is not sufficient to establish whether loss-of-function variants in BIN1 cause disease. In summary, the available evidence is currently insufficient to determine the role of this variant in disease. Therefore, it has been classified as a Variant of Uncertain Significance. This variant has not been reported in the literature in individuals affected with BIN1-related conditions. This variant is not present in population databases (gnomAD no frequency).